The following is an entry in ClinVar:

NM_001042492.3(NF1):c.725_726insA (p.Met242fs)

Gene: NF1 (neurofibromin 1; plus strand). Cytogenetic location: 17q11.2.
Variant type: Insertion.
Coding change: c.725_726insA on transcript NM_001042492.3 (MANE Select); coding-DNA positions 725 to 726, A inserted.
Protein change: p.Met242fs; shifts the reading frame from methionine 242.
Molecular consequence: frameshift variant.
Genome position: GRCh38 VCF-style: chr17-31181780-T-TA. GRCh37 (hg19) VCF-style: chr17-29508798-T-TA.
Other names: c.725_726insA, p.Met242Ilefs (NM_000267.4); c.725_726insA, p.Met242fs (NM_001128147.3); short protein forms M242fs.
Identifiers: ClinVar variation 2743650 (VCV002743650.3), dbSNP rs2544750204, ClinGen allele CA2697559673.
Genomic context (GRCh38, chr17:31,181,780, plus strand): 5'-ACTGGGTAGAAAATTATCCAGATGAATTTACAAAACTGTACCAGATCCCACAGACTGATA[T>TA]GGCTGGTAAGGATACGATTGATTTTTTTTTTTTTTTTGTCTTTTAAATGCCTACTTGTGA-3'

ClinVar aggregate classification (germline): Pathogenic (1 of 4 stars; one submission).

Conditions:
Neurofibromatosis, type 1 (NF1). Also called: Peripheral type neurofibromatosis; NEUROFIBROMATOSIS, TYPE I, SOMATIC; VON RECKLINGHAUSEN DISEASE; Neurofibromatosis, type I. Identifiers: Orphanet 636, MedGen C0027831, MONDO:0018975, OMIM 162200. Disease mechanism: loss of function.

Submission:

Labcorp Genetics (formerly Invitae), Labcorp
Classification: Pathogenic for Neurofibromatosis, type 1. Last evaluated: 2023-11-14. Review status: criteria provided, single submitter. Criteria: Invitae Variant Classification Sherloc (09022015). Collection method: clinical testing. Allele origin: germline.
Comment: This sequence change creates a premature translational stop signal (p.Met242Ilefs*3) in the NF1 gene. It is expected to result in an absent or disrupted protein product. Loss-of-function variants in NF1 are known to be pathogenic (PMID: 10712197, 23913538). This variant is not present in population databases (gnomAD no frequency). This variant has not been reported in the literature in individuals affected with NF1-related conditions. For these reasons, this variant has been classified as Pathogenic.

Literature cited by the submitters: PubMed 10712197; PubMed 23913538.